The following is an entry in ClinVar:

NM_020987.5(ANK3):c.818A>C (p.His273Pro)

Gene: ANK3 (ankyrin 3; minus strand). Cytogenetic location: 10q21.2.
Variant type: single nucleotide variant.
Coding change: c.818A>C on transcript NM_020987.5 (MANE Select); coding-DNA position 818, A replaced by C.
Protein change: p.His273Pro; replaces histidine 273 with proline.
Molecular consequence: missense variant.
Genome position (GRCh38, 1-based): chr10:60,234,767, T>G on the plus strand (A>C on the coding strand, the complement: ANK3 is on the minus strand). VCF-style: chr10-60234767-T-G. GRCh37 (hg19) VCF-style: chr10-61994525-T-G.
Other names: c.800A>C, p.His267Pro (NM_001204403.2); c.767A>C, p.His256Pro (NM_001204404.2); c.818A>C, p.His273Pro (NM_001320874.2); short protein forms H256P, H267P, H273P.
Identifiers: ClinVar variation 3372906 (VCV003372906.1).

ClinVar aggregate classification (germline): Uncertain significance (1 of 4 stars; one submission).

Submission:

GeneDx
Classification: Uncertain significance. Last evaluated: 2024-04-22. Review status: criteria provided, single submitter. Criteria: GeneDx Variant Classification Process June 2021. Collection method: clinical testing. Allele origin: germline. Affected: yes.
Comment: Not observed at significant frequency in large population cohorts (gnomAD); In silico analysis supports that this missense variant has a deleterious effect on protein structure/function; Has not been previously published as pathogenic or benign to our knowledge